The following is an entry in ClinVar:

ClinVar aggregate classification (germline): Pathogenic. Review status: reviewed by expert panel (3 of 4 stars). 39 submissions from 39 submitters: Pathogenic (1). 38 of the submissions do not count toward it. Last evaluated 2022-08-23.

Conditions:
Fetal anomalies with a likely genetic cause.
Acute rhabdomyolysis. Identifiers: MedGen C3807306, HP:0008942.
ACADVL-related disorder. Also called: ACADVL-related condition.
Inborn genetic diseases. Identifiers: MedGen C0950123, MeSH D030342.
Very long chain acyl-CoA dehydrogenase deficiency (ACADVLD). Also called: VLCAD Deficiency; Very Long-Chain Acyl-Coenzyme A Dehydrogenase Deficiency. Identifiers: Orphanet 26793, MedGen C3887523, MONDO:0008723, OMIM 201475.

Allele frequency attached by ClinVar (database versions not stated): gnomAD 0.00111 and 0.00116; ESP Exome Variant Server 0.00092; gnomAD exomes 0.00164 and 0.00126; TOPMed 0.00113; ExAC 0.00143.

Submissions 1 to 9 of 39:

ClinGen ACADVL Variant Curation Expert Panel, ClinGen
Classification: Pathogenic for Very long chain acyl-CoA dehydrogenase deficiency. Last evaluated: 2022-08-23. Review status: reviewed by expert panel. Criteria: clingen acadvl acmg specifications v1. Collection method: curation. Allele origin: germline. Inheritance: Autosomal recessive inheritance.
Comment: The c.848T>C variant in ACADVL is a missense variant predicted to cause substitution of valine by alanine at amino acid 283 (p.Val283Ala). This variant is also known as Val243Ala when numbered from the mature peptide. The variant accounts for up to 29% of individuals with very long chain acyl-CoA dehydrogenase (VLCAD) deficiency identified by newborn screen (PMID:20301763). This variant has been reported in at least 12 individuals with VLCAD in the literature with either significantly reduced VLCAD activity or increased C14:1 acylcarnitine levels, which is highly specific for VLCAD deficiency (PP4_moderate; PMID: 17999356, 26385305, 20107901, 14517516). The variant was detected at least 9 times in the homozygous state as well as at least 1 confirmed in-trans with another pathogenic variant (PM3_Strong; PMID: 20107901; 17999356, 17999356). In vitro expression showed 20-25% residual enzyme activity when expressed in COS7 cells (PS3_supporting; PMID: 9973285). The highest population minor allele frequency in gnomAD v2.1.1 is 0.002238 in the European (non-Finnish) population (PM2_Supporting, BS1, and BA1 are not met). The variant is located in a well-studied outer loop with structural importance with high homology to medium-chain acyl-CoA dehydrogenase (PM1; PMID: 14517516). The computational predictor REVEL gives a score of 0.905, which is above the threshold of 0.75, evidence that correlates with impact to ACADVL function (PP3). In summary, this variant meets criteria to be classified as pathogenic for autosomal recessive VLCAD deficiency based on the ACMG/AMP criteria applied, as specified by the ClinGen ACADVL Variant Curation Expert Panel: PP4_Moderate, PM3_Strong, PM1, PP3, PS3_supporting (ACADVL specifications version 1; approved November 8, 2021)

Genetics Laboratory, Great Ormond Street Hospital NHS Foundation Trust, North Thames Genomic Laboratory Hub
Classification: Pathogenic for Fetal anomalies with a likely genetic cause. Last evaluated: 2026-09-14. Review status: criteria provided, single submitter. Criteria: ACGS Best Practice Guidelines for Variant Classification in Rare Disease 2024 v1.2. Collection method: clinical testing. Allele origin: germline. Affected: yes. Not counted in ClinVar's aggregate classification.
Comment: PP3_supporting, PS3_supporting, PM3_very-strong, PP4_moderate

PreventionGenetics, part of Exact Sciences
Classification: Pathogenic for ACADVL-related condition. Last evaluated: 2026-07-13. Review status: criteria provided, single submitter. Criteria: ACMG Guidelines, 2015. Collection method: clinical testing. Allele origin: germline. Not counted in ClinVar's aggregate classification.
Comment: The ACADVL c.848T>C variant is predicted to result in the amino acid substitution p.Val283Ala. This variant, also referred to in the literature as p.Val243Ala, is one of the most commonly reported variants causative for mild to severe very long-chain acyl-CoA dehydrogenase deficiency (VLCADD) in individuals from various ethnicities (see for example, Andresen et al. 1996. PubMed ID: 8845838, Coughlin and Ficicioglu. 2010. PubMed ID: 20107901; Li et al. 2024. PMID: 39188284). The p.Val283Ala substitution has been reported to result in a residual enzyme activity of approximately 20% of wildtype (see for example, Andresen et al. 1996. PubMed ID: 8845838; Goetzman et al. 2007. PubMed ID: 17374501; Hoffmann et al. 2012. PubMed ID: 21932095) and is located in an outer loop with structural importance for protein function (Spiekerkoetter et al. 2003. PubMed ID: 14517516). Although this variant has a high frequency in the general population (reported in 0.22% of alleles in individuals of European (non-Finnish) descent in gnomAD), this variant is interpreted as pathogenic by the ClinGen ACADVL Variant Curation Expert Panel in ClinVar (Variation ID: 21025). This variant is interpreted as pathogenic.

CeGaT Center for Human Genetics Tuebingen
Classification: Pathogenic. Last evaluated: 2026-04-01. Review status: criteria provided, single submitter. Criteria: CeGaT Center For Human Genetics Tuebingen Variant Classification Criteria Version 2. Collection method: clinical testing. Allele origin: germline. Affected: yes. Observed: 6 variant alleles. Not counted in ClinVar's aggregate classification.
Comment: ACADVL: PM3:Very Strong, PM1, PM2:Supporting, PS3:Supporting

Dasa
Classification: Pathogenic. Last evaluated: 2026-02-23. Review status: criteria provided, single submitter. Criteria: DASA Assertion Criteria. Collection method: clinical testing. Allele origin: germline. Not counted in ClinVar's aggregate classification.
Comment: NM_000018.4(ACADVL):c.848T>C (p.Val283Ala) is a missense variant that results in the substitution of valine with alanine. The affected residue or protein region has prior evidence supporting clinical relevance. This variant has been observed in affected individuals with related phenotype in a genotype context consistent with recessive disease (PMID: 9973285; PMID: 14517516; PMID: 20107901; PMID: 17999356; PMID: 26385305). Functional evidence supports a deleterious effect on the gene or gene product (PMID: 9973285; PMID: 14517516; PMID: 20107901; PMID: 17999356; PMID: 26385305). This variant has been recurrently observed in individuals with related phenotype (PMID: 9973285; PMID: 14517516; PMID: 20107901; PMID: 17999356; PMID: 26385305). Multiple computational predictions support a deleterious effect on the gene or gene product. The variant is present at low frequency in population datasets. Based on the available data, this variant is classified as pathogenic.

Labcorp Genetics (formerly Invitae), Labcorp
Classification: Pathogenic for Very long chain acyl-CoA dehydrogenase deficiency. Last evaluated: 2026-02-04. Review status: criteria provided, single submitter. Criteria: Invitae Variant Classification Sherloc (09022015). Collection method: clinical testing. Allele origin: germline. Not counted in ClinVar's aggregate classification.
Comment: This sequence change replaces valine, which is neutral and non-polar, with alanine, which is neutral and non-polar, at codon 283 of the ACADVL protein (p.Val283Ala). This variant is present in population databases (rs113994167, gnomAD 0.2%), and has an allele count higher than expected for a pathogenic variant. This missense change has been observed in individual(s) with very long chain acyl-CoA dehydrogenase (VLCAD) deficiency and is associated with a wide range of clinical presentations (PMID: 14517516, 17999356, 20107901). In at least one individual the data is consistent with being in trans (on the opposite chromosome) from a pathogenic variant. This variant is also known as V243A. ClinVar contains an entry for this variant (Variation ID: 21025). Invitae Evidence Modeling of protein sequence and biophysical properties (such as structural, functional, and spatial information, amino acid conservation, physicochemical variation, residue mobility, and thermodynamic stability) indicates that this missense variant is not expected to disrupt ACADVL protein function with a negative predictive value of 80%. Experimental studies have shown that this missense change affects ACADVL function (PMID: 9973285, 17374501). For these reasons, this variant has been classified as Pathogenic.

Natera, Inc.
Classification: Pathogenic for Very long chain acyl-CoA dehydrogenase deficiency. Last evaluated: 2025-11-17. Review status: criteria provided, single submitter. Criteria: Natera Variant Classification Schema (03/2026). Collection method: clinical testing. Allele origin: germline. Not counted in ClinVar's aggregate classification.
Comment: The c.848T>C variant in ACADVL is a missense variant predicted to cause substitution of valine to alanine at amino acid 283. This variant is rare in the general population with a frequency below the threshold expected for the associated phenotype(s). This variant has been observed in one or more individuals affected with the associated recessive disease, as either homozygous or compound heterozygous with a second variant (PMID: 35281659). Given the available evidence, this variant is classified as Pathogenic.

Mayo Clinic Laboratories, Mayo Clinic
Classification: Pathogenic. Last evaluated: 2025-10-21. Review status: criteria provided, single submitter. Criteria: ACMG Guidelines, 2015. Collection method: clinical testing. Allele origin: germline. Observed: 4 variant alleles. Not counted in ClinVar's aggregate classification.
Comment: PP3, PP4_moderate, PM3_strong, PS3_supporting

NHS Central & South Genomic Laboratory Hub
Classification: Pathogenic for Acute Rhabdomyolysis. Last evaluated: 2025-10-21. Review status: criteria provided, single submitter. Criteria: ACMG Guidelines, 2015. Collection method: clinical testing. Allele origin: germline. Affected: yes. Not counted in ClinVar's aggregate classification.

NM_000018.4(ACADVL):c.848T>C (p.Val283Ala)

Gene: ACADVL (acyl-CoA dehydrogenase very long chain; plus strand). Cytogenetic location: 17p13.1.
Variant type: single nucleotide variant.
Coding change: c.848T>C on transcript NM_000018.4 (MANE Select); coding-DNA position 848, T replaced by C.
Protein change: p.Val283Ala; replaces valine 283 with alanine.
Molecular consequence: missense variant.
Genome position (GRCh38, 1-based): chr17:7,222,272, T>C. VCF-style: chr17-7222272-T-C. GRCh37 (hg19) VCF-style: chr17-7125591-T-C.
Other names: p.V283A:GTG>GCG; NM_000018.4(ACADVL):c.848T>C; c.917T>C (NM_001270447.1); c.782T>C, p.Val261Ala (NM_001033859.3); c.917T>C, p.Val306Ala (NM_001270447.2); c.620T>C, p.Val207Ala (NM_001270448.2); short protein forms V283A, V207A, V306A, V261A.
Identifiers: ClinVar variation 21025 (VCV000021025.117), dbSNP rs113994167, ClinGen allele CA285294.